The following is an entry in ClinVar:

ClinVar aggregate classification (germline): Uncertain significance (1 of 4 stars; one submission).

Submission:

Labcorp Genetics (formerly Invitae), Labcorp
Classification: Uncertain significance. Last evaluated: 2021-10-15. Review status: criteria provided, single submitter. Criteria: Invitae Variant Classification Sherloc (09022015). Collection method: clinical testing. Allele origin: germline.
Comment: In summary, the available evidence is currently insufficient to determine the role of this variant in disease. Therefore, it has been classified as a Variant of Uncertain Significance. Algorithms developed to predict the effect of missense changes on protein structure and function are either unavailable or do not agree on the potential impact of this missense change (SIFT: "Tolerated"; PolyPhen-2: "Possibly Damaging"; Align-GVGD: "Class C0"). This variant has not been reported in the literature in individuals affected with ALPK3-related conditions. This variant is not present in population databases (ExAC no frequency). This sequence change replaces lysine with glutamic acid at codon 1470 of the ALPK3 protein (p.Lys1470Glu). The lysine residue is moderately conserved and there is a small physicochemical difference between lysine and glutamic acid.

NM_020778.5(ALPK3):c.3802A>G (p.Lys1268Glu)

Gene: ALPK3 (alpha kinase 3; plus strand). Cytogenetic location: 15q25.3.
Variant type: single nucleotide variant.
Coding change: c.3802A>G on transcript NM_020778.5 (MANE Select); coding-DNA position 3802, A replaced by G.
Protein change: p.Lys1268Glu; replaces lysine 1268 with glutamic acid.
Molecular consequence: missense variant.
Genome position (GRCh38, 1-based): chr15:84,858,540, A>G. VCF-style: chr15-84858540-A-G. GRCh37 (hg19) VCF-style: chr15-85401771-A-G.
Other names: short protein forms K1268E.
Identifiers: ClinVar variation 1525890 (VCV001525890.6), dbSNP rs1963899685, ClinGen allele CA393360994.
Genomic context (GRCh38, chr15:84,858,540, plus strand): 5'-GACACAGAGGTGGCCCTGGATGAAGGCAAGCAGGAGACACTGGCCAAGCCCAGGAAAGCC[A>G]AAGACCTGCTGAAAGGTGAGCAGTGGGGAGGGAGAGGGATGGCTTCACAGGACAGGGCCA-3'
Protein context (NP_065829.4, residues 1258-1278): QETLAKPRKA[Lys1268Glu]DLLKAPQVIR